The following is an entry in ClinVar:

NM_006206.6(PDGFRA):c.2335A>G (p.Lys779Glu)

Gene: PDGFRA (platelet derived growth factor receptor alpha; plus strand). Cytogenetic location: 4q12.
Variant type: single nucleotide variant.
Coding change: c.2335A>G on transcript NM_006206.6 (MANE Select); coding-DNA position 2335, A replaced by G.
Protein change: p.Lys779Glu; replaces lysine 779 with glutamic acid.
Molecular consequence: missense variant.
Genome position (GRCh38, 1-based): chr4:54,285,382, A>G. VCF-style: chr4-54285382-A-G. GRCh37 (hg19) VCF-style: chr4-55151549-A-G.
Other names: c.2335A>G (NM_006206.4); c.2410A>G, p.Lys804Glu (NM_001347828.2); c.2335A>G, p.Lys779Glu (NM_001347829.2); c.2374A>G, p.Lys792Glu (NM_001347830.2); short protein forms K779E, K792E, K804E.
Identifiers: ClinVar variation 1345389 (VCV001345389.10), dbSNP rs2110335436, ClinGen allele CA356894602.

ClinVar aggregate classification (germline): Uncertain significance. Review status: criteria provided, multiple submitters, no conflicts (2 of 4 stars). 3 submissions from 3 submitters: Uncertain significance (3). Last evaluated 2025-08-19.

Conditions:
Gastrointestinal stromal tumor. Also called: Gastrointestinal stroma tumor; Gastrointestinal stromal tumor, somatic. Identifiers: Orphanet 44890, MedGen C0238198, MeSH D046152, MONDO:0011719, OMIM 606764, HP:0100723.
Polyps, multiple and recurrent inflammatory fibroid, gastrointestinal. Identifiers: MedGen C5193005, MONDO:0008285, OMIM 175510.
Hereditary cancer-predisposing syndrome. Also called: Tumor predisposition; Hereditary Cancer Syndrome; Neoplastic Syndromes, Hereditary; Hereditary neoplastic syndrome. Identifiers: Orphanet 140162, MedGen C0027672, MeSH D009386, MONDO:0015356.

Submissions (3):

Ambry Genetics
Classification: Uncertain significance for Hereditary cancer-predisposing syndrome. Last evaluated: 2025-08-19. Review status: criteria provided, single submitter. Criteria: Ambry Variant Classification Scheme 2023. Collection method: clinical testing. Allele origin: germline.
Comment: The p.K779E variant (also known as c.2335A>G), located in coding exon 16 of the PDGFRA gene, results from an A to G substitution at nucleotide position 2335. The lysine at codon 779 is replaced by glutamic acid, an amino acid with similar properties. This amino acid position is conserved. In addition, this alteration is predicted to be tolerated by in silico analysis. Based on the available evidence, the clinical significance of this variant remains unclear.

Baylor Genetics
Classification: Uncertain significance for Polyps, multiple and recurrent inflammatory fibroid, gastrointestinal. Last evaluated: 2023-10-04. Review status: criteria provided, single submitter. Criteria: ACMG Guidelines, 2015. Collection method: clinical testing. Allele origin: unknown.

Labcorp Genetics (formerly Invitae), Labcorp
Classification: Uncertain significance for Gastrointestinal stromal tumor. Last evaluated: 2021-04-14. Review status: criteria provided, single submitter. Criteria: Invitae Variant Classification Sherloc (09022015). Collection method: clinical testing. Allele origin: germline.
Comment: In summary, the available evidence is currently insufficient to determine the role of this variant in disease. Therefore, it has been classified as a Variant of Uncertain Significance. Algorithms developed to predict the effect of missense changes on protein structure and function (SIFT, PolyPhen-2, Align-GVGD) all suggest that this variant is likely to be tolerated, but these predictions have not been confirmed by published functional studies and their clinical significance is uncertain. This variant has not been reported in the literature in individuals with PDGFRA-related conditions. This variant is not present in population databases (ExAC no frequency). This sequence change replaces lysine with glutamic acid at codon 779 of the PDGFRA protein (p.Lys779Glu). The lysine residue is moderately conserved and there is a small physicochemical difference between lysine and glutamic acid.